The following is an entry in ClinVar:

NM_001122955.4(BSCL2):c.507G>A (p.Pro169=)

Genes: BSCL2 (BSCL2 lipid droplet biogenesis associated, seipin; minus strand), HNRNPUL2-BSCL2 (HNRNPUL2-BSCL2 readthrough (NMD candidate); minus strand). Cytogenetic location: 11q12.3.
Variant type: single nucleotide variant.
Coding change: c.507G>A on transcript NM_001122955.4 (MANE Select); coding-DNA position 507, G replaced by A.
Protein change: p.Pro169=; no amino-acid change (proline 169 retained).
Molecular consequence: synonymous variant. On other transcripts: non-coding transcript variant (1).
Genome position (GRCh38, 1-based): chr11:62,694,691, C>T on the plus strand (G>A on the coding strand, the complement: BSCL2 is on the minus strand). VCF-style: chr11-62694691-C-T. GRCh37 (hg19) VCF-style: chr11-62462163-C-T.
Other names: c.507G>A (NM_001122955.3); c.315G>A, p.Pro105= (NM_001130702.2, NM_032667.6); c.507G>A, p.Pro169= (NM_001386027.1, NM_001386028.1).
Identifiers: ClinVar variation 1344242 (VCV001344242.9), dbSNP rs145393127, ClinGen allele CA6053540.
Genomic context (GRCh38, chr11:62,694,691, plus strand): 5'-CATGCCCAAATCTTGATTCACAGGGGACTCTGGCAGCTCAAGCTCTAAGGTAACACGATA[C>T]GGCTGTCCATACATCAGCACCTGCCAAAGGTAGCCCCCATTTCTTTAAAAAAATTTTTTT-3'
Protein context (NP_001116427.1, residues 159-179): GRDRVLMYGQ[Pro169=]YRVTLELELP

ClinVar aggregate classification (germline): Likely benign. Review status: criteria provided, multiple submitters, no conflicts (2 of 4 stars). 3 submissions from 3 submitters: Likely benign (3). Last evaluated 2025-12-15.

Conditions:
Charcot-Marie-Tooth disease type 2. Also called: Charcot-Marie-Tooth type 2. Identifiers: Orphanet 64746, MedGen C0270914, MONDO:0018993.
Hereditary spastic paraplegia. Also called: Familial spastic paraparesis. Identifiers: Orphanet 685, MedGen C0037773, MONDO:0019064. Disease mechanism: loss of function.
BSCL2-related disorder. Also called: BSCL2-related condition; BSCL2-Related Disorders.

Allele frequency attached by ClinVar (database versions not stated): TOPMed below 0.00001; gnomAD 0.00001 and 0.00003; ExAC 0.00002; gnomAD exomes 0.00002; ESP Exome Variant Server 0.00008.
gnomAD v4.1: 39 of 1,614,006 alleles (0.0024%); highest among the groups gnomAD compares: Middle Eastern, 0.016%; no homozygotes.

Submissions (3):

PreventionGenetics, part of Exact Sciences
Classification: Likely benign for BSCL2-related condition. Last evaluated: 2025-12-15. Review status: criteria provided, single submitter. Criteria: ACMG Guidelines, 2015. Collection method: clinical testing. Allele origin: germline.
Comment: This variant is classified as likely benign based on ACMG/AMP sequence variant interpretation guidelines (Richards et al. 2015 PMID: 25741868, with internal and published modifications).

Labcorp Genetics (formerly Invitae), Labcorp
Classification: Likely benign for Charcot-Marie-Tooth disease type 2. Last evaluated: 2022-10-23. Review status: criteria provided, single submitter. Criteria: Invitae Variant Classification Sherloc (09022015). Collection method: clinical testing. Allele origin: germline.

Genome Diagnostics Laboratory, The Hospital for Sick Children
Classification: Likely benign for Hereditary spastic paraplegia. Last evaluated: 2018-10-01. Review status: criteria provided, single submitter. Criteria: ACMG Guidelines, 2015. Collection method: clinical testing. Allele origin: germline. Affected: yes.